The following is an entry in ClinVar:

ClinVar aggregate classification (germline): Pathogenic. Review status: criteria provided, multiple submitters, no conflicts (2 of 4 stars). 12 submissions from 11 submitters: Pathogenic (9). 3 of the submissions do not count toward it. Last evaluated 2026-04-01.

Conditions:
CHST6-related disorder. Also called: CHST6-related condition.
Macular corneal dystrophy (MCD). Also called: GROENOUW TYPE II CORNEAL DYSTROPHY; Macular corneal dystrophy Type I. Identifiers: Orphanet 98969, MedGen C1636149, MONDO:0009020, OMIM 217800.
Macular corneal dystrophy, type II. Identifiers: MedGen C1691013.

Allele frequency attached by ClinVar (database versions not stated): TOPMed 0.00019; gnomAD 0.00021 and 0.00022; gnomAD exomes 0.00022 and 0.00032; ExAC 0.00026.
gnomAD v4.1: 493 of 1,611,220 alleles (0.031%); highest among the groups gnomAD compares: Non-Finnish European, 0.04%; no homozygotes.

Submissions (12):

CeGaT Center for Human Genetics Tuebingen
Classification: Pathogenic. Last evaluated: 2026-04-01. Review status: criteria provided, single submitter. Criteria: CeGaT Center For Human Genetics Tuebingen Variant Classification Criteria Version 2. Collection method: clinical testing. Allele origin: germline. Affected: yes. Observed: 3 variant alleles.
Comment: CHST6: PM3:Very Strong, PM1, PM2, PP3

Labcorp Genetics (formerly Invitae), Labcorp
Classification: Pathogenic for Macular corneal dystrophy. Last evaluated: 2025-12-30. Review status: criteria provided, single submitter. Criteria: Invitae Variant Classification Sherloc (09022015). Collection method: clinical testing. Allele origin: germline.
Comment: This sequence change replaces leucine, which is neutral and non-polar, with arginine, which is basic and polar, at codon 200 of the CHST6 protein (p.Leu200Arg). This variant is present in population databases (rs28937879, gnomAD 0.05%). This missense change has been observed in individuals with macular corneal dystrophy (PMID: 11818380, 16568029, 32472422). It has also been observed to segregate with disease in related individuals. This variant is also known as 1291T>G. ClinVar contains an entry for this variant (Variation ID: 5075). Invitae Evidence Modeling of protein sequence and biophysical properties (such as structural, functional, and spatial information, amino acid conservation, physicochemical variation, residue mobility, and thermodynamic stability) indicates that this missense variant is expected to disrupt CHST6 protein function with a positive predictive value of 80%. For these reasons, this variant has been classified as Pathogenic.

Women's Health and Genetics/Laboratory Corporation of America, LabCorp
Classification: Pathogenic for Macular corneal dystrophy. Last evaluated: 2024-09-10. Review status: criteria provided, single submitter. Criteria: LabCorp Variant Classification Summary - May 2015. Collection method: clinical testing. Allele origin: germline.
Comment: Variant summary: CHST6 c.599T>G (p.Leu200Arg) results in a non-conservative amino acid change located in the Sulfotransferase domain (IPR000863) of the encoded protein sequence. Five of five in-silico tools predict a damaging effect of the variant on protein function. The variant allele was found at a frequency of 0.00022 in 244732 control chromosomes. This frequency is not significantly higher than estimated for a pathogenic variant in CHST6 causing Macular Corneal Dystrophy (0.00022 vs 0.0013), allowing no conclusion about variant significance. c.599T>G has been reported in the literature as a biallelic genotype in multiple individuals affected with Macular Corneal Dystrophy (example, El Ashry_2002, Safari_2020, Souzeau_2022). These data indicate that the variant is very likely to be associated with disease. To our knowledge, no experimental evidence demonstrating an impact on protein function has been reported. The following publications have been ascertained in the context of this evaluation (PMID: 11818380, 32472422, 35985662). ClinVar contains an entry for this variant (Variation ID: 5075). Based on the evidence outlined above, the variant was classified as pathogenic.

Blueprint Genetics
Classification: Pathogenic for CHST6-related disorders. Last evaluated: 2024-05-21. Review status: criteria provided, single submitter. Criteria: ACMG Guidelines, 2015. Collection method: clinical testing. Allele origin: germline. Affected: yes. Observed: 5 variant alleles.

Fulgent Genetics
Classification: Pathogenic for Macular corneal dystrophy. Last evaluated: 2024-05-08. Review status: criteria provided, single submitter. Criteria: ACMG Guidelines, 2015. Collection method: clinical testing. Allele origin: germline.

MGZ Medical Genetics Center
Classification: Pathogenic for Macular corneal dystrophy. Last evaluated: 2022-05-09. Review status: criteria provided, single submitter. Criteria: ACMG Guidelines, 2015. Collection method: clinical testing. Allele origin: germline. Affected: yes. Observed: 1 variant allele.
Comment: ACMG criteria applied: PS4, PM3_STR, PM2_SUP, PP1, PP3

Genetics and Molecular Pathology, SA Pathology
Classification: Pathogenic for Macular corneal dystrophy. Last evaluated: 2021-10-13. Review status: criteria provided, single submitter. Criteria: ACMG Guidelines, 2015. Collection method: clinical testing. Allele origin: germline. Inheritance: Autosomal recessive inheritance. Affected: yes.

Illumina Laboratory Services, Illumina
Classification: Pathogenic for Macular corneal dystrophy. Last evaluated: 2019-01-09. Review status: criteria provided, single submitter. Criteria: ICSL Variant Classification Criteria 09 May 2019. Collection method: clinical testing. Allele origin: germline.
Comment: The CHST6 c.599T>G (p.Leu200Arg) missense variant has been reported in at least seven studies in which it is identified in a total of 37 individuals with macular corneal dystrophy (MCD) type I or II from 31 families, including in seven in a homozygous state (two of whom are related); 19 in a compound heterozygous state (two of whom are related); and 11 in a heterozygous state (two of whom are related) (El-Ashry et al. 2002; Aldave et al. 2004; Klintworth et al. 2006; Gruenauer-Kloevekorn et al. 2008; Liskova et al. 2008; Dudakova et al. 2014; Nowinska et al. 2014). The p.Leu200Arg variant was detected in a heterozygous state in one of 694 control chromosomes and is reported at a frequency of 0.000471 in the European (non-Finnish) population of the Genome Aggregation Database. The Leu200 residue is noted to be highly conserved. Based on the collective evidence, the p.Leu200Arg variant is classified as pathogenic for macular corneal dystrophy. This variant was observed by ICSL as part of a predisposition screen in an ostensibly healthy population.

Laboratory for Molecular Medicine, Mass General Brigham Personalized Medicine
Classification: Pathogenic for Macular corneal dystrophy. Last evaluated: 2016-06-28. Review status: criteria provided, single submitter. Criteria: LMM Criteria. Collection method: clinical testing. Allele origin: germline. Inheritance: Autosomal recessive inheritance. Observed: 1 variant allele.
Comment: The p.Leu200Arg variant in CHST6 has been reported in at least 17 individuals wi th macular corneal dystrophy who also tested positive for a reduction in keratin sulfate consistent with CHST6 deficiency (14 compound heterozygotes, 1 homozygo te and 2 heterozygotes) (El-Ashry 2002, El-Ashry 2005, Abbruzzese 2004, Klintwor th 2006, Liskova 2008). This variant has been identified in 0.03% (30/115,942) o f chromosomes by the Exome Aggregation Consortium (ExAC; dbSNP rs28937879). Although it has been seen in the general population, its frequency is low enough to be consistent with a recessive carrier frequency . In summary, this variant meets our criteria to be classified as pathogenic for macular corneal dystrophy in an autosomal recessive manner based upon its biall elic occurrence in affected individuals and functional evidence.

PreventionGenetics, part of Exact Sciences
Classification: Pathogenic for CHST6-related condition. Last evaluated: 2024-08-27. Review status: no assertion criteria provided. Collection method: clinical testing. Allele origin: germline. Not counted in ClinVar's aggregate classification.
Comment: The CHST6 c.599T>G variant is predicted to result in the amino acid substitution p.Leu200Arg. This variant has been reported along with one or more other CHST6 variants in multiple individuals with macular corneal dystrophy (El-Ashry et al. 2002. PubMed ID: 11818380; Klintworth et al. 2006. PubMed ID: 16568029; Weiss et al. 2008. PubMed ID: 19337156; Safari et al. 2020. PubMed ID: 32472422), and is considered a mutation hot-spot (Aldave et al. 2004. PubMed ID: 15013869). This variant is reported in 0.047% of alleles in individuals of European (Non-Finnish) descent in gnomAD. This variant is interpreted as pathogenic.

OMIM
Classification: Pathogenic for MACULAR CORNEAL DYSTROPHY, TYPE I. Last evaluated: 2004-03-01. Review status: no assertion criteria provided. Collection method: literature only. Allele origin: germline. Not counted in ClinVar's aggregate classification.

OMIM
Classification: Pathogenic for MACULAR CORNEAL DYSTROPHY, TYPE II. Last evaluated: 2004-03-01. Review status: no assertion criteria provided. Collection method: literature only. Allele origin: germline. Not counted in ClinVar's aggregate classification.

Literature cited by the submitters: PubMed 11818380 (cited by 4 submitters); PubMed 16568029 (cited by 3 submitters); PubMed 32472422 (cited by Labcorp Genetics (formerly Invitae), Labcorp and Women's Health and Genetics/Laboratory Corporation of America, LabCorp); PubMed 35985662 (cited by Women's Health and Genetics/Laboratory Corporation of America, LabCorp); PubMed 15013869 (cited by Illumina Laboratory Services, Illumina and OMIM); PubMed 24926691 (cited by Illumina Laboratory Services, Illumina); PubMed 17962390 (cited by Illumina Laboratory Services, Illumina and Laboratory for Molecular Medicine, Mass General Brigham Personalized Medicine); PubMed 25081284 (cited by Illumina Laboratory Services, Illumina); PubMed 18500531 (cited by Illumina Laboratory Services, Illumina); PubMed 12824236 (cited by Laboratory for Molecular Medicine, Mass General Brigham Personalized Medicine); PubMed 15652851 (cited by Laboratory for Molecular Medicine, Mass General Brigham Personalized Medicine); PubMed 14984470 (cited by Laboratory for Molecular Medicine, Mass General Brigham Personalized Medicine).

NM_021615.5(CHST6):c.599T>G (p.Leu200Arg)

Gene: CHST6 (carbohydrate sulfotransferase 6; minus strand). Cytogenetic location: 16q23.1.
Variant type: single nucleotide variant.
Coding change: c.599T>G on transcript NM_021615.5 (MANE Select); coding-DNA position 599, T replaced by G.
Protein change: p.Leu200Arg; replaces leucine 200 with arginine.
Molecular consequence: missense variant.
Genome position (GRCh38, 1-based): chr16:75,479,230, A>C on the plus strand (T>G on the coding strand, the complement: CHST6 is on the minus strand). VCF-style: chr16-75479230-A-C. GRCh37 (hg19) VCF-style: chr16-75513128-A-C.
Other names: short protein forms L200R.
Identifiers: ClinVar variation 5075 (VCV000005075.65), dbSNP rs28937879, ClinGen allele CA117249.